The following is an entry in ClinVar:

NM_001286.5(CLCN6):c.176A>G (p.Asp59Gly)

Gene: CLCN6 (chloride voltage-gated channel 6; plus strand). Cytogenetic location: 1p36.22.
Variant type: single nucleotide variant.
Coding change: c.176A>G on transcript NM_001286.5 (MANE Select); coding-DNA position 176, A replaced by G.
Protein change: p.Asp59Gly; replaces aspartic acid 59 with glycine.
Molecular consequence: missense variant. On other transcripts: non-coding transcript variant (1), intron variant (1).
Genome position (GRCh38, 1-based): chr1:11,815,874, A>G. VCF-style: chr1-11815874-A-G. GRCh37 (hg19) VCF-style: chr1-11875931-A-G.
Other names: c.148-741A>G (NM_001256959.2); c.176A>G (NM_001286.2); short protein forms D59G.
Identifiers: ClinVar variation 1511332 (VCV001511332.9), dbSNP rs1323312095, ClinGen allele CA338425461.

ClinVar aggregate classification (germline): Uncertain significance. Review status: criteria provided, multiple submitters, no conflicts (2 of 4 stars). 2 submissions from 2 submitters: Uncertain significance (2). Last evaluated 2025-08-06.

Allele frequency attached by ClinVar (database versions not stated): gnomAD exomes below 0.00001; TOPMed below 0.00001; gnomAD 0.00001.
gnomAD v4.1: 2 of 1,613,838 alleles (0.00012%); highest among the groups gnomAD compares: African/African-American, 0.0027%; no homozygotes.

Submissions (2):

Ambry Genetics
Classification: Uncertain significance. Last evaluated: 2025-08-06. Review status: criteria provided, single submitter. Criteria: Ambry Variant Classification Scheme 2023. Collection method: clinical testing. Allele origin: germline.

Labcorp Genetics (formerly Invitae), Labcorp
Classification: Uncertain significance. Last evaluated: 2022-07-12. Review status: criteria provided, single submitter. Criteria: Invitae Variant Classification Sherloc (09022015). Collection method: clinical testing. Allele origin: germline.
Comment: This variant has not been reported in the literature in individuals affected with CLCN6-related conditions. In summary, the available evidence is currently insufficient to determine the role of this variant in disease. Therefore, it has been classified as a Variant of Uncertain Significance. Algorithms developed to predict the effect of missense changes on protein structure and function (SIFT, PolyPhen-2, Align-GVGD) all suggest that this variant is likely to be tolerated. ClinVar contains an entry for this variant (Variation ID: 1511332). This variant is present in population databases (no rsID available, gnomAD 0.007%). This sequence change replaces aspartic acid, which is acidic and polar, with glycine, which is neutral and non-polar, at codon 59 of the CLCN6 protein (p.Asp59Gly).